The following is an entry in ClinVar:

NM_015450.3(POT1):c.177C>A (p.Cys59Ter)

Gene: POT1 (protection of telomeres 1; minus strand). Cytogenetic location: 7q31.33.
Variant type: single nucleotide variant.
Coding change: c.177C>A on transcript NM_015450.3 (MANE Select); coding-DNA position 177, C replaced by A.
Protein change: p.Cys59Ter; replaces cysteine 59 with a stop codon.
Molecular consequence: nonsense. On other transcripts: non-coding transcript variant (3), intron variant (1).
Genome position (GRCh38, 1-based): chr7:124,870,989, G>T on the plus strand (C>A on the coding strand, the complement: POT1 is on the minus strand). VCF-style: chr7-124870989-G-T. GRCh37 (hg19) VCF-style: chr7-124511043-G-T.
Other names: c.-138-7349C>A (NM_001042594.2); short protein forms C59*.
Identifiers: ClinVar variation 1779935 (VCV001779935.2), dbSNP rs2116567603, ClinGen allele CA369061558.

ClinVar aggregate classification (germline): Pathogenic (1 of 4 stars; one submission).

Conditions:
Hereditary cancer-predisposing syndrome. Also called: Neoplastic Syndromes, Hereditary; Tumor predisposition; Hereditary Cancer Syndrome; Hereditary neoplastic syndrome. Identifiers: Orphanet 140162, MedGen C0027672, MeSH D009386, MONDO:0015356.

Submission:

Ambry Genetics
Classification: Pathogenic for Hereditary cancer-predisposing syndrome. Last evaluated: 2022-07-11. Review status: criteria provided, single submitter. Criteria: Ambry Variant Classification Scheme 2023. Collection method: clinical testing. Allele origin: germline.
Comment: The p.C59* pathogenic mutation (also known as c.177C>A), located in coding exon 3 of the POT1 gene, results from a C to A substitution at nucleotide position 177. This changes the amino acid from a cysteine to a stop codon within coding exon 3. This variant is considered to be rare based on population cohorts in the Genome Aggregation Database (gnomAD). This alteration is expected to result in loss of function by premature protein truncation or nonsense-mediated mRNA decay. As such, this alteration is interpreted as a disease-causing mutation.